The following is an entry in ClinVar:

ClinVar aggregate classification (germline): Uncertain significance (1 of 4 stars; one submission).

Conditions:
Inborn genetic diseases. Identifiers: MedGen C0950123, MeSH D030342.

Submission:

Ambry Genetics
Classification: Uncertain significance for Inborn genetic diseases. Last evaluated: 2025-06-08. Review status: criteria provided, single submitter. Criteria: Ambry Variant Classification Scheme 2023. Collection method: clinical testing. Allele origin: germline.
Comment: The p.G1114C variant (also known as c.3340G>T), located in coding exon 13 of the ASXL1 gene, results from a G to T substitution at nucleotide position 3340. The glycine at codon 1114 is replaced by cysteine, an amino acid with highly dissimilar properties. This amino acid position is conserved. In addition, the in silico prediction for this alteration is inconclusive. Based on the available evidence, the clinical significance of this variant remains unclear.

NM_015338.6(ASXL1):c.3340G>T (p.Gly1114Cys)

Gene: ASXL1 (ASXL transcriptional regulator 1; plus strand). Cytogenetic location: 20q11.21.
Variant type: single nucleotide variant.
Coding change: c.3340G>T on transcript NM_015338.6 (MANE Select); coding-DNA position 3340, G replaced by T.
Protein change: p.Gly1114Cys; replaces glycine 1114 with cysteine.
Molecular consequence: missense variant.
Genome position (GRCh38, 1-based): chr20:32,436,052, G>T. VCF-style: chr20-32436052-G-T. GRCh37 (hg19) VCF-style: chr20-31023855-G-T.
Other names: c.3157G>T, p.Gly1053Cys (NM_001363734.1); short protein forms G1053C, G1114C.
Identifiers: ClinVar variation 3957690 (VCV003957690.1).